The following is an entry in ClinVar:

NM_182476.3(COQ6):c.1252C>T (p.Arg418Cys)

Genes: COQ6 (coenzyme Q6, monooxygenase; plus strand), ENTPD5 (ectonucleoside triphosphate diphosphohydrolase 5; minus strand). Cytogenetic location: 14q24.3.
Variant type: single nucleotide variant.
Coding change: c.1252C>T on transcript NM_182476.3 (MANE Select); coding-DNA position 1252, C replaced by T.
Protein change: p.Arg418Cys; replaces arginine 418 with cysteine.
Molecular consequence: missense variant. On other transcripts: intron variant (7).
Genome position (GRCh38, 1-based): chr14:73,961,778, C>T. VCF-style: chr14-73961778-C-T. GRCh37 (hg19) VCF-style: chr14-74428481-C-T.
Other names: c.1144C>T, p.Arg382Cys (NM_001425256.1); c.1087C>T, p.Arg363Cys (NM_001425257.1); c.1069C>T, p.Arg357Cys (NM_001425258.1); c.1027C>T, p.Arg343Cys (NM_001425259.1, NM_001425260.1, NM_001425261.1); c.997C>T, p.Arg333Cys (NM_001425262.1); c.925C>T, p.Arg309Cys (NM_001425263.1); c.712C>T, p.Arg238Cys (NM_001425264.1, NM_001425265.1); c.1177C>T, p.Arg393Cys (NM_182480.3); and 5 more; short protein forms R418C, R393C.
Identifiers: ClinVar variation 1423246 (VCV001423246.13), dbSNP rs201434148, ClinGen allele CA7264489.

ClinVar aggregate classification (germline): Uncertain significance. Review status: criteria provided, multiple submitters, no conflicts (2 of 4 stars). 4 submissions from 4 submitters: Uncertain significance (4). Last evaluated 2025-12-16.

Conditions:
Familial steroid-resistant nephrotic syndrome with sensorineural deafness. Identifiers: Orphanet 280406, MedGen C3553349, MONDO:0013836, OMIM 614650.

Allele frequency attached by ClinVar (database versions not stated): gnomAD exomes 0.00014 and 0.00007; gnomAD 0.00016 and 0.00018; ExAC 0.00003; TOPMed 0.00008.
gnomAD v4.1: 228 of 1,614,024 alleles (0.014%); highest among the groups gnomAD compares: Non-Finnish European, 0.018%; 1 homozygote.

Submissions (4):

Labcorp Genetics (formerly Invitae), Labcorp
Classification: Uncertain significance. Last evaluated: 2025-12-16. Review status: criteria provided, single submitter. Criteria: Invitae Variant Classification Sherloc (09022015). Collection method: clinical testing. Allele origin: germline.
Comment: This sequence change replaces arginine, which is basic and polar, with cysteine, which is neutral and slightly polar, at codon 418 of the COQ6 protein (p.Arg418Cys). This variant is present in population databases (rs201434148, gnomAD 0.03%). This variant has not been reported in the literature in individuals affected with COQ6-related conditions. ClinVar contains an entry for this variant (Variation ID: 1423246). Invitae Evidence Modeling of protein sequence and biophysical properties (such as structural, functional, and spatial information, amino acid conservation, physicochemical variation, residue mobility, and thermodynamic stability) indicates that this missense variant is expected to disrupt COQ6 protein function with a positive predictive value of 80%. Algorithms developed to predict the effect of sequence changes on RNA splicing suggest that this variant may disrupt the consensus splice site. In summary, the available evidence is currently insufficient to determine the role of this variant in disease. Therefore, it has been classified as a Variant of Uncertain Significance.

Blueprint Genetics
Classification: Uncertain significance. Last evaluated: 2024-10-11. Review status: criteria provided, single submitter. Criteria: ACMG Guidelines, 2015. Collection method: clinical testing. Allele origin: germline.

Fulgent Genetics
Classification: Uncertain significance for Familial steroid-resistant nephrotic syndrome with sensorineural deafness. Last evaluated: 2024-05-15. Review status: criteria provided, single submitter. Criteria: ACMG Guidelines, 2015. Collection method: clinical testing. Allele origin: germline.

GeneDx
Classification: Uncertain significance. Last evaluated: 2024-05-03. Review status: criteria provided, single submitter. Criteria: GeneDx Variant Classification Process June 2021. Collection method: clinical testing. Allele origin: germline.
Comment: In silico analysis supports that this missense variant has a deleterious effect on protein structure/function; Has not been previously published as pathogenic or benign to our knowledge